The following is an entry in ClinVar:

NM_173076.3(ABCA12):c.723dup (p.Val242fs)

Gene: ABCA12 (ATP binding cassette subfamily A member 12; minus strand). Cytogenetic location: 2q35.
Variant type: Duplication.
Coding change: c.723dup on transcript NM_173076.3 (MANE Select); coding-DNA position 723, one base duplicated (A; older notation c.723dupA).
Protein change: p.Val242fs; shifts the reading frame from valine 242.
Molecular consequence: frameshift variant. On other transcripts: non-coding transcript variant (1).
Genome position (GRCh38, 1-based): chr2:215,045,986, T duplicated on the plus strand (A on the coding strand, the reverse complement: ABCA12 is on the minus strand). VCF-style (leftmost placement, unchanged base first): chr2-215045985-C-CT. GRCh37 (hg19) VCF-style: chr2-215910709-C-CT.
Other names: short protein forms V242fs.
Identifiers: ClinVar variation 2994245 (VCV002994245.3), dbSNP rs1344296862, ClinGen allele CA764596191.

ClinVar aggregate classification (germline): Pathogenic (1 of 4 stars; one submission).

Allele frequency attached by ClinVar (database versions not stated): TOPMed below 0.00001; gnomAD 0.00001; gnomAD exomes below 0.00001.

Submission:

Labcorp Genetics (formerly Invitae), Labcorp
Classification: Pathogenic. Last evaluated: 2025-11-28. Review status: criteria provided, single submitter. Criteria: Invitae Variant Classification Sherloc (09022015). Collection method: clinical testing. Allele origin: germline.
Comment: This sequence change creates a premature translational stop signal (p.Val242Serfs*27) in the ABCA12 gene. It is expected to result in an absent or disrupted protein product. Loss-of-function variants in ABCA12 are known to be pathogenic (PMID: 20672373). This variant is not present in population databases (gnomAD no frequency). This variant has not been reported in the literature in individuals affected with ABCA12-related conditions. ClinVar contains an entry for this variant (Variation ID: 2994245). For these reasons, this variant has been classified as Pathogenic.

Literature cited by the submitters: PubMed 20672373.